The following is an entry in ClinVar:

ClinVar aggregate classification (germline): Uncertain significance. Review status: criteria provided, multiple submitters, no conflicts (2 of 4 stars). 2 submissions from 2 submitters: Uncertain significance (2). Last evaluated 2025-09-28.

Conditions:
APC2-related disorder. Also called: APC2-related condition; APC2-Related Disorders.
Inborn genetic diseases. Identifiers: MedGen C0950123, MeSH D030342.

gnomAD v4.1: 2 of 1,567,146 alleles (0.00013%); highest among the groups gnomAD compares: Non-Finnish European, 0.00017%; no homozygotes.

Submissions (2):

Ambry Genetics
Classification: Uncertain significance for Inborn genetic diseases. Last evaluated: 2025-09-28. Review status: criteria provided, single submitter. Criteria: Ambry Variant Classification Scheme 2023. Collection method: clinical testing. Allele origin: germline.

PreventionGenetics, part of Exact Sciences
Classification: Uncertain significance for APC2-related condition. Last evaluated: 2023-06-29. Review status: criteria provided, single submitter. Criteria: ACMG Guidelines, 2015. Collection method: clinical testing. Allele origin: germline.
Comment: The APC2 c.2558G>C variant is predicted to result in the amino acid substitution p.Arg853Pro. To our knowledge, this variant has not been reported in the literature or in a large population database, indicating this variant is rare. At this time, the clinical significance of this variant is uncertain due to the absence of conclusive functional and genetic evidence.

NM_005883.3(APC2):c.2558G>C (p.Arg853Pro)

Gene: APC2 (APC regulator of Wnt signaling pathway 2; plus strand). Cytogenetic location: 19p13.3.
Variant type: single nucleotide variant.
Coding change: c.2558G>C on transcript NM_005883.3 (MANE Select); coding-DNA position 2558, G replaced by C.
Protein change: p.Arg853Pro; replaces arginine 853 with proline.
Molecular consequence: missense variant.
Genome position (GRCh38, 1-based): chr19:1,465,859, G>C. VCF-style: chr19-1465859-G-C. GRCh37 (hg19) VCF-style: chr19-1465858-G-C.
Other names: c.2555G>C, p.Arg852Pro (NM_001351273.1); short protein forms R852P, R853P.
Identifiers: ClinVar variation 2631629 (VCV002631629.2), dbSNP rs762097433, ClinGen allele CA403026944.